The following is an entry in ClinVar:

NM_017636.4(TRPM4):c.1971G>A (p.Leu657=)

Gene: TRPM4 (transient receptor potential cation channel subfamily M member 4; plus strand). Cytogenetic location: 19q13.33.
Variant type: single nucleotide variant.
Coding change: c.1971G>A on transcript NM_017636.4 (MANE Select); coding-DNA position 1971, G replaced by A.
Protein change: p.Leu657=; no amino-acid change (leucine 657 retained).
Molecular consequence: synonymous variant.
Genome position (GRCh38, 1-based): chr19:49,189,043, G>A. VCF-style: chr19-49189043-G-A. GRCh37 (hg19) VCF-style: chr19-49692300-G-A.
Other names: c.1971G>A, p.Leu657= (NM_001195227.2); c.1626G>A, p.Leu542= (NM_001321281.2); c.363G>A, p.Leu121= (NM_001321282.2); c.1449G>A, p.Leu483= (NM_001321283.2); c.909G>A, p.Leu303= (NM_001321285.2).
Identifiers: ClinVar variation 518021 (VCV000518021.1), dbSNP rs1555757521, ClinGen allele CA508282900.

ClinVar aggregate classification (germline): Likely benign (1 of 4 stars; one submission).

Submission:

GeneDx
Classification: Likely benign. Last evaluated: 2017-06-16. Review status: criteria provided, single submitter. Criteria: GeneDx Variant Classification (06012015). Collection method: clinical testing. Allele origin: germline. Affected: yes.
Comment: This variant is considered likely benign or benign based on one or more of the following criteria: it is a conservative change, it occurs at a poorly conserved position in the protein, it is predicted to be benign by multiple in silico algorithms, and/or has population frequency not consistent with disease.